The following is an entry in ClinVar:

ClinVar aggregate classification (germline): Uncertain significance. Review status: criteria provided, single submitter (1 of 4 stars). 2 submissions from 2 submitters: Uncertain significance (1). 1 of the submissions does not count toward it. Last evaluated 2024-11-25.

Conditions:
Ataxia-telangiectasia syndrome (AT). Also called: Cerebello-oculocutaneous telangiectasia; Immunodeficiency with ataxia telangiectasia; Ataxia-telangiectasia, complementation group E; Ataxia-telangiectasia, complementation group D; AT, COMPLEMENTATION GROUP C; ATAXIA-TELANGIECTASIA, COMPLEMENTATION GROUP A. Identifiers: Orphanet 100, MedGen C0004135, MONDO:0008840, OMIM 208900.

Submissions (2):

Labcorp Genetics (formerly Invitae), Labcorp
Classification: Uncertain significance for Ataxia-telangiectasia syndrome. Last evaluated: 2024-11-25. Review status: criteria provided, single submitter. Criteria: Invitae Variant Classification Sherloc (09022015). Collection method: clinical testing. Allele origin: germline.
Comment: This sequence change replaces tryptophan, which is neutral and slightly polar, with leucine, which is neutral and non-polar, at codon 2042 of the ATM protein (p.Trp2042Leu). This variant is not present in population databases (gnomAD no frequency). This variant has not been reported in the literature in individuals affected with ATM-related conditions. ClinVar contains an entry for this variant (Variation ID: 582574). Invitae Evidence Modeling of protein sequence and biophysical properties (such as structural, functional, and spatial information, amino acid conservation, physicochemical variation, residue mobility, and thermodynamic stability) has been performed for this missense variant. However, the output from this modeling did not meet the statistical confidence thresholds required to predict the impact of this variant on ATM protein function. In summary, the available evidence is currently insufficient to determine the role of this variant in disease. Therefore, it has been classified as a Variant of Uncertain Significance.

Natera, Inc.
Classification: Uncertain significance for Ataxia-telangiectasia. Last evaluated: 2025-04-21. Review status: no assertion criteria provided. Collection method: clinical testing. Allele origin: germline. Not counted in ClinVar's aggregate classification.

NM_000051.4(ATM):c.6125G>T (p.Trp2042Leu)

Genes: ATM (ATM serine/threonine kinase; plus strand), C11orf65 (chromosome 11 open reading frame 65; minus strand). Cytogenetic location: 11q22.3.
Variant type: single nucleotide variant.
Coding change: c.6125G>T on transcript NM_000051.4 (MANE Select); coding-DNA position 6125, G replaced by T.
Protein change: p.Trp2042Leu; replaces tryptophan 2042 with leucine.
Molecular consequence: missense variant. On other transcripts: intron variant (2).
Genome position (GRCh38, 1-based): chr11:108,316,040, G>T. VCF-style: chr11-108316040-G-T. GRCh37 (hg19) VCF-style: chr11-108186767-G-T.
Other names: c.6125G>T, p.Trp2042Leu (NM_001351834.2); c.641-6969C>A (NM_001330368.2); c.*39-6969C>A (NM_001351110.2); short protein forms W2042L.
Identifiers: ClinVar variation 582574 (VCV000582574.11), dbSNP rs1565499657, ClinGen allele CA382550445.